The following is an entry in ClinVar:

NM_022114.4(PRDM16):c.353G>A (p.Arg118Gln)

Gene: PRDM16 (PR/SET domain 16; plus strand). Cytogenetic location: 1p36.32.
Variant type: single nucleotide variant.
Coding change: c.353G>A on transcript NM_022114.4 (MANE Select); coding-DNA position 353, G replaced by A.
Protein change: p.Arg118Gln; replaces arginine 118 with glutamine.
Molecular consequence: missense variant.
Genome position (GRCh38, 1-based): chr1:3,186,440, G>A. VCF-style: chr1-3186440-G-A. GRCh37 (hg19) VCF-style: chr1-3103004-G-A.
Other names: c.353G>A, p.Arg118Gln (NM_199454.3); short protein forms R118Q.
Identifiers: ClinVar variation 474433 (VCV000474433.12), dbSNP rs538278091, ClinGen allele CA543748.

ClinVar aggregate classification (germline): Uncertain significance. Review status: criteria provided, multiple submitters, no conflicts (2 of 4 stars). 2 submissions from 2 submitters: Uncertain significance (2). Last evaluated 2024-11-21.

Conditions:
Left ventricular noncompaction 8 (LVNC8). Identifiers: Orphanet 154, Orphanet 54260, MedGen C3809288, MONDO:0014152, OMIM 615373.

Allele frequency attached by ClinVar (database versions not stated): 1000 Genomes Project 30x 0.00031; 1000 Genomes Project 0.00040; gnomAD exomes 0.00008; TOPMed 0.00008; gnomAD 0.00005 and 0.00003; ExAC 0.00011.
gnomAD v4.1: 117 of 1,555,372 alleles (0.0075%); highest among the groups gnomAD compares: Middle Eastern, 0.1%; no homozygotes.

Submissions (2):

GeneDx
Classification: Uncertain significance. Last evaluated: 2024-11-21. Review status: criteria provided, single submitter. Criteria: GeneDx Variant Classification Process June 2021. Collection method: clinical testing. Allele origin: germline. Affected: yes.
Comment: In silico analysis indicates that this missense variant does not alter protein structure/function; Has not been previously published as pathogenic or benign to our knowledge

Labcorp Genetics (formerly Invitae), Labcorp
Classification: Uncertain significance for Left ventricular noncompaction 8. Last evaluated: 2024-04-17. Review status: criteria provided, single submitter. Criteria: Invitae Variant Classification Sherloc (09022015). Collection method: clinical testing. Allele origin: germline.
Comment: This sequence change replaces arginine, which is basic and polar, with glutamine, which is neutral and polar, at codon 118 of the PRDM16 protein (p.Arg118Gln). This variant is present in population databases (rs538278091, gnomAD 0.04%). This variant has not been reported in the literature in individuals affected with PRDM16-related conditions. ClinVar contains an entry for this variant (Variation ID: 474433). Algorithms developed to predict the effect of missense changes on protein structure and function output the following: SIFT: "Not Available"; PolyPhen-2: "Benign"; Align-GVGD: "Not Available". The glutamine amino acid residue is found in multiple mammalian species, which suggests that this missense change does not adversely affect protein function. In summary, the available evidence is currently insufficient to determine the role of this variant in disease. Therefore, it has been classified as a Variant of Uncertain Significance.